The following is an entry in ClinVar:

GRCh38/hg38 16p11.2(chr16:29227272-30321260)x3

Genes: ALDOA (aldolase, fructose-bisphosphate A; plus strand), ASPHD1 (aspartate beta-hydroxylase domain containing 1; plus strand), BOLA2 (bolA family member 2; minus strand), BOLA2-SMG1P6 (BOLA2-SMG1P6 readthrough; minus strand), BOLA2B (bolA family member 2B; minus strand) and 118 more. Cytogenetic location: 16p11.2.
Variant type: copy number gain.
Change: copy number 3 (three copies instead of two) of chr16:29,227,272-30,321,260 (1.09 Mb, GRCh38 coordinates, 1-based), cytogenetic band 16p11.2.
Identifiers: ClinVar variation 57462 (VCV000057462.3).

ClinVar aggregate classification (germline): Pathogenic (0 of 4 stars; one submission).

Submission:

ISCA site 4
Classification: Pathogenic. Last evaluated: 2018-02-15. Review status: no assertion criteria provided. Collection method: clinical testing. Allele origin: unknown. Affected: yes. Observed: 1 variant allele.
Comment: Copy number variation identified through the course of routine clinical cytogenomic testing in postnatal populations. Clinical assertions have been curated as described in Kaminsky et al. 2011.

Copy number variation identified through the course of routine clinical cytogenomic testing in postnatal populations. Clinical assertions have been curated as described in Kaminsky, et al. 2011 (PubMed 21844811). For additional ClinGen data, please see nstd37.